The following is an entry in ClinVar:

NM_199420.4(POLQ):c.5852G>C (p.Cys1951Ser)

Gene: POLQ (DNA polymerase theta; minus strand). Cytogenetic location: 3q13.33.
Variant type: single nucleotide variant.
Coding change: c.5852G>C on transcript NM_199420.4 (MANE Select); coding-DNA position 5852, G replaced by C.
Protein change: p.Cys1951Ser; replaces cysteine 1951 with serine.
Molecular consequence: missense variant.
Genome position (GRCh38, 1-based): chr3:121,483,504, C>G on the plus strand (G>C on the coding strand, the complement: POLQ is on the minus strand). VCF-style: chr3-121483504-C-G. GRCh37 (hg19) VCF-style: chr3-121202351-C-G.
Other names: short protein forms C1951S.
Identifiers: ClinVar variation 2560533 (VCV002560533.2), dbSNP rs993994431, ClinGen allele CA81831378.

ClinVar aggregate classification (germline): Uncertain significance (1 of 4 stars; one submission).

Allele frequency attached by ClinVar (database versions not stated): TOPMed below 0.00001; gnomAD 0.00001.
gnomAD v4.1: 1 of 1,605,690 alleles (0.000062%); highest among the groups gnomAD compares: African/African-American, 0.0014%; no homozygotes.

Submission:

Ambry Genetics
Classification: Uncertain significance. Last evaluated: 2023-03-29. Review status: criteria provided, single submitter. Criteria: Ambry Variant Classification Scheme 2023. Collection method: clinical testing. Allele origin: germline.
Comment: The p.C1951S variant (also known as c.5852G>C), located in coding exon 18 of the POLQ gene, results from a G to C substitution at nucleotide position 5852. The cysteine at codon 1951 is replaced by serine, an amino acid with dissimilar properties. This amino acid position is conserved. In addition, this alteration is predicted to be tolerated by in silico analysis. Since supporting evidence is limited at this time, the clinical significance of this alteration remains unclear.